The following is an entry in ClinVar:

NM_001365536.1(SCN9A):c.1416T>G (p.Ser472Arg)

Genes: SCN1A-AS1 (SCN1A and SCN9A antisense RNA 1; plus strand), SCN9A (sodium voltage-gated channel alpha subunit 9; minus strand). Cytogenetic location: 2q24.3.
Variant type: single nucleotide variant.
Coding change: c.1416T>G on transcript NM_001365536.1 (MANE Select); coding-DNA position 1416, T replaced by G.
Protein change: p.Ser472Arg; replaces serine 472 with arginine.
Molecular consequence: missense variant.
Genome position (GRCh38, 1-based): chr2:166,286,522, A>C on the plus strand (T>G on the coding strand, the complement: SCN9A is on the minus strand). VCF-style: chr2-166286522-A-C. GRCh37 (hg19) VCF-style: chr2-167143032-A-C.
Other names: c.1416T>G, p.Ser472Arg (NM_002977.4); short protein forms S472R.
Identifiers: ClinVar variation 2931413 (VCV002931413.3), dbSNP rs1177279301, ClinGen allele CA349084794.

ClinVar aggregate classification (germline): Uncertain significance (1 of 4 stars; one submission).

Conditions:
Neuropathy, hereditary sensory and autonomic, type 2A (HSAN2A). Also called: ACROOSTEOLYSIS, GIACCAI TYPE; ACROOSTEOLYSIS, NEUROGENIC; WNK1-Related HSAN2 (HSAN2A); MORVAN DISEASE; NEUROPATHY, CONGENITAL SENSORY; NEUROPATHY, HEREDITARY SENSORY RADICULAR, AUTOSOMAL RECESSIVE. Identifiers: Orphanet 970, MedGen C2752089, MONDO:0024309, OMIM 201300.
Generalized epilepsy with febrile seizures plus, type 7 (GEFSP7). Also called: GEFS+, TYPE 7. Identifiers: Orphanet 36387, MedGen C2751778, MONDO:0013470, OMIM 613863.

Allele frequency attached by ClinVar (database versions not stated): TOPMed below 0.00001; gnomAD exomes 0.00002.
gnomAD v4.1: 23 of 1,612,716 alleles (0.0014%); highest among the groups gnomAD compares: Non-Finnish European, 0.0019%; no homozygotes.

Submission:

Labcorp Genetics (formerly Invitae), Labcorp
Classification: Uncertain significance for Neuropathy, hereditary sensory and autonomic, type 2A; Generalized epilepsy with febrile seizures plus, type 7. Last evaluated: 2023-07-30. Review status: criteria provided, single submitter. Criteria: Invitae Variant Classification Sherloc (09022015). Collection method: clinical testing. Allele origin: germline.
Comment: In summary, the available evidence is currently insufficient to determine the role of this variant in disease. Therefore, it has been classified as a Variant of Uncertain Significance. Advanced modeling of protein sequence and biophysical properties (such as structural, functional, and spatial information, amino acid conservation, physicochemical variation, residue mobility, and thermodynamic stability) performed at Invitae indicates that this missense variant is not expected to disrupt SCN9A protein function. This variant has not been reported in the literature in individuals affected with SCN9A-related conditions. This variant is present in population databases (no rsID available, gnomAD 0.002%). This sequence change replaces serine, which is neutral and polar, with arginine, which is basic and polar, at codon 472 of the SCN9A protein (p.Ser472Arg).